The following is an entry in ClinVar:

ClinVar aggregate classification (germline): Uncertain significance (1 of 4 stars; one submission).

Conditions:
Hereditary cancer-predisposing syndrome. Also called: Neoplastic Syndromes, Hereditary; Tumor predisposition; Hereditary neoplastic syndrome; Hereditary Cancer Syndrome. Identifiers: Orphanet 140162, MedGen C0027672, MeSH D009386, MONDO:0015356.

Submission:

Ambry Genetics
Classification: Uncertain significance for Hereditary cancer-predisposing syndrome. Last evaluated: 2026-07-07. Review status: criteria provided, single submitter. Criteria: Ambry Variant Classification Scheme 2023. Collection method: clinical testing. Allele origin: germline.
Comment: The p.T325I variant (also known as c.974C>T), located in coding exon 9 of the BRCA2 gene, results from a C to T substitution at nucleotide position 974. The threonine at codon 325 is replaced by isoleucine, an amino acid with similar properties. This amino acid position is conserved. In addition, this alteration is predicted to be tolerated by in silico analysis. Based on the available evidence, the clinical significance of this variant remains unclear.

NM_000059.4(BRCA2):c.974C>T (p.Thr325Ile)

Gene: BRCA2 (BRCA2 DNA repair associated; plus strand). Cytogenetic location: 13q13.1.
Variant type: single nucleotide variant.
Coding change: c.974C>T on transcript NM_000059.4 (MANE Select); coding-DNA position 974, C replaced by T.
Protein change: p.Thr325Ile; replaces threonine 325 with isoleucine.
Molecular consequence: missense variant. On other transcripts: non-coding transcript variant (1), intron variant (1).
Genome position (GRCh38, 1-based): chr13:32,332,452, C>T. VCF-style: chr13-32332452-C-T. GRCh37 (hg19) VCF-style: chr13-32906589-C-T.
Other names: c.974C>T, p.Thr325Ile (NM_001406719.1, NM_001406720.1, NM_001406721.1 and 1 more transcripts); c.424+1422C>T (NM_001406722.1); short protein forms T325I.
Identifiers: ClinVar variation 5033293 (VCV005033293.1).